The following is an entry in ClinVar:

NM_001354604.2(MITF):c.788A>C (p.Asp263Ala)

Gene: MITF (melanocyte inducing transcription factor; plus strand). Cytogenetic location: 3p13.
Variant type: single nucleotide variant.
Coding change: c.788A>C on transcript NM_001354604.2 (MANE Select); coding-DNA position 788, A replaced by C.
Protein change: p.Asp263Ala; replaces aspartic acid 263 with alanine.
Molecular consequence: missense variant.
Genome position (GRCh38, 1-based): chr3:69,949,076, A>C. VCF-style: chr3-69949076-A-C. GRCh37 (hg19) VCF-style: chr3-69998227-A-C.
Other names: c.467A>C, p.Asp156Ala (NM_000248.4, NM_198158.3); c.632A>C, p.Asp211Ala (NM_001184967.2, NM_001354608.2); c.785A>C, p.Asp262Ala (NM_001354605.2, NM_001354606.2, NM_006722.3); c.737A>C, p.Asp246Ala (NM_001354607.2); c.788A>C, p.Asp263Ala (NM_198159.3); c.740A>C, p.Asp247Ala (NM_198177.3); c.299A>C, p.Asp100Ala (NM_198178.3); short protein forms D263A, D100A, D156A, D246A, D247A, D262A, D211A.
Identifiers: ClinVar variation 2945188 (VCV002945188.3), dbSNP rs2471620901, ClinGen allele CA353561293.
Genomic context (GRCh38, chr3:69,949,076, plus strand): 5'-ACAGTTAATTTCTGTTACTGTTTGTCTCTCTCTAGTTGCCTGTCTCGGGAAACTTGATTG[A>C]TCTTTATGGAAACCAAGGTCTGCCCCCACCAGGCCTCACCATCAGCAACTCCTGTCCAGC-3'
Protein context (NP_001341533.1, residues 253-273): NTLPVSGNLI[Asp263Ala]LYGNQGLPPP

ClinVar aggregate classification (germline): Uncertain significance (1 of 4 stars; one submission).

Conditions:
Tietz syndrome (TADS). Also called: ALBINISM-DEAFNESS OF TIETZ; HYPOPIGMENTATION/DEAFNESS OF TIETZ; TIETZ ALBINISM-DEAFNESS SYNDROME. Identifiers: Orphanet 42665, MedGen C0391816, MONDO:0007077, OMIM 103500.
Waardenburg syndrome type 2A (WS2A). Also called: WAARDENBURG SYNDROME WITHOUT DYSTOPIA CANTHORUM. Identifiers: Orphanet 3440, MedGen C1860339, MONDO:0008671, OMIM 193510.
Melanoma, cutaneous malignant, susceptibility to, 8. Also called: MELANOMA AND RENAL CELL CARCINOMA, SUSCEPTIBILITY TO; Cutaneous malignant melanoma 8. Identifiers: Orphanet 293822, MedGen C3152204, MONDO:0013759, OMIM 614456.

Submission:

Labcorp Genetics (formerly Invitae), Labcorp
Classification: Uncertain significance for Melanoma, cutaneous malignant, susceptibility to, 8; Waardenburg syndrome type 2A; Tietz syndrome. Last evaluated: 2023-03-09. Review status: criteria provided, single submitter. Criteria: Invitae Variant Classification Sherloc (09022015). Collection method: clinical testing. Allele origin: germline.
Comment: This sequence change replaces aspartic acid, which is acidic and polar, with alanine, which is neutral and non-polar, at codon 156 of the MITF protein (p.Asp156Ala). This variant is not present in population databases (gnomAD no frequency). This variant has not been reported in the literature in individuals affected with MITF-related conditions. Advanced modeling of protein sequence and biophysical properties (such as structural, functional, and spatial information, amino acid conservation, physicochemical variation, residue mobility, and thermodynamic stability) performed at Invitae indicates that this missense variant is expected to disrupt MITF protein function. In summary, the available evidence is currently insufficient to determine the role of this variant in disease. Therefore, it has been classified as a Variant of Uncertain Significance.